The following is an entry in ClinVar:

ClinVar aggregate classification (germline): Pathogenic, low penetrance (1 of 4 stars; one submission).

Conditions:
Atypical hemolytic-uremic syndrome. Identifiers: Orphanet 2134, MedGen C2931788, MONDO:0016244.

Submission:

Genomenon, Inc
Classification: Pathogenic, low penetrance for Atypical hemolytic-uremic syndrome. Last evaluated: 2025-10-02. Review status: criteria provided, single submitter. Criteria: Genomenon Sequence Variant Interpretation Standards - Updated. Collection method: curation. Allele origin: germline. Affected: yes.
Comment: CFH p.Met1090SerfsTer3 (c.3269del) is a frameshift variant that results in the production of a truncated protein which is predicted to undergo nonsense-mediated mRNA decay. This variant has been observed in at least one proband affected with atypical hemolytic-uremic syndrome (PMID:23307876). It is absent or not present at a significant frequency in gnomAD. In conclusion, we classify CFH p.Met1090SerfsTer3 (c.3269del) as a pathogenic, low penetrance variant.

Literature cited by the submitters: PubMed 23307876.

NM_000186.4(CFH):c.3269del (p.Met1090fs)

Gene: CFH (complement factor H; plus strand). Cytogenetic location: 1q31.3.
Variant type: Deletion.
Coding change: c.3269del on transcript NM_000186.4 (MANE Select); coding-DNA position 3269, one base deleted (T; older notation c.3269delT).
Protein change: p.Met1090fs; shifts the reading frame from methionine 1090.
Molecular consequence: frameshift variant.
Genome position (GRCh38, 1-based): chr1:196,743,587, T deleted. VCF-style (leftmost placement, unchanged base first): chr1-196743586-AT-A. GRCh37 (hg19) VCF-style: chr1-196712716-AT-A.
Other names: short protein forms M1090fs.
Identifiers: ClinVar variation 4291552 (VCV004291552.1).